The following is an entry in ClinVar:

NM_130837.3(OPA1):c.1754+265A>G

Gene: OPA1 (OPA1 mitochondrial dynamin like GTPase; plus strand). Cytogenetic location: 3q29.
Variant type: single nucleotide variant.
Coding change: c.1754+265A>G on transcript NM_130837.3 (MANE Select); 265 bases into the intron after coding-DNA position 1754, A replaced by G.
Molecular consequence: intron variant.
Genome position (GRCh38, 1-based): chr3:193,646,065, A>G. VCF-style: chr3-193646065-A-G. GRCh37 (hg19) VCF-style: chr3-193363854-A-G.
Other names: c.1217+265A>G (NM_001354664.2); c.1220+265A>G (NM_001354663.2); c.1643+265A>G (NM_130834.3); c.1700+265A>G (NM_130836.3); c.1589+265A>G (NM_015560.3); c.1646+265A>G (NM_130835.3); c.1535+265A>G (NM_130832.3); c.1592+265A>G (NM_130833.3); and 1 more.
Identifiers: ClinVar variation 683268 (VCV000683268.1), dbSNP rs115569671, ClinGen allele CA11599185.

ClinVar aggregate classification (germline): Benign (1 of 4 stars; one submission).

Allele frequency attached by ClinVar (database versions not stated): TOPMed 0.21372; gnomAD 0.22318 and 0.22535; 1000 Genomes Project 0.24441; 1000 Genomes Project 30x 0.24641.
gnomAD v4.1: 32,336 of 143,706 alleles (23%); highest among the groups gnomAD compares: South Asian, 30%; 3,551 homozygotes.

Submission:

GeneDx
Classification: Benign. Last evaluated: 2018-06-14. Review status: criteria provided, single submitter. Criteria: GeneDx Variant Classification (06012015). Collection method: clinical testing. Allele origin: germline. Affected: yes.
Comment: This variant is considered likely benign or benign based on one or more of the following criteria: it is a conservative change, it occurs at a poorly conserved position in the protein, it is predicted to be benign by multiple in silico algorithms, and/or has population frequency not consistent with disease.